The following is an entry in ClinVar:

NM_006059.4(LAMC3):c.2914G>A (p.Ala972Thr)

Gene: LAMC3 (laminin subunit gamma 3; plus strand). Cytogenetic location: 9q34.12.
Variant type: single nucleotide variant.
Coding change: c.2914G>A on transcript NM_006059.4 (MANE Select); coding-DNA position 2914, G replaced by A.
Protein change: p.Ala972Thr; replaces alanine 972 with threonine.
Molecular consequence: missense variant.
Genome position (GRCh38, 1-based): chr9:131,069,695, G>A. VCF-style: chr9-131069695-G-A. GRCh37 (hg19) VCF-style: chr9-133945082-G-A.
Other names: short protein forms A972T.
Identifiers: ClinVar variation 1355100 (VCV001355100.14), dbSNP rs781181695, ClinGen allele CA5287621.
Genomic context (GRCh38, chr9:131,069,695, plus strand): 5'-CTCTAAACCCAGCACGCACTGCCCCTGGCCCCTCTAGCCTGCAGGTGCTCCCCACTGGGC[G>A]CTGCCTCGGCCCAGTGCCACGAGAACGGCACATGCGTGTGCAGGCCTGGCTTCGAGGGCT-3'
Protein context (NP_006050.3, residues 962-982): CRACRCSPLG[Ala972Thr]ASAQCHENGT

ClinVar aggregate classification (germline): Uncertain significance. Review status: criteria provided, multiple submitters, no conflicts (2 of 4 stars). 3 submissions from 3 submitters: Uncertain significance (3). Last evaluated 2025-06-01.

Allele frequency attached by ClinVar (database versions not stated): gnomAD 0.00001; ExAC 0.00002; gnomAD exomes 0.00002 and 0.00004; TOPMed 0.00003.
gnomAD v4.1: 62 of 1,593,218 alleles (0.0039%); highest among the groups gnomAD compares: Non-Finnish European, 0.0048%; no homozygotes.

Submissions (3):

CeGaT Center for Human Genetics Tuebingen
Classification: Uncertain significance. Last evaluated: 2025-06-01. Review status: criteria provided, single submitter. Criteria: CeGaT Center For Human Genetics Tuebingen Variant Classification Criteria Version 2. Collection method: clinical testing. Allele origin: germline. Affected: yes. Observed: 1 variant allele.
Comment: LAMC3: PM2, BP4

Blueprint Genetics
Classification: Uncertain significance. Last evaluated: 2024-07-22. Review status: criteria provided, single submitter. Criteria: ACMG Guidelines, 2015. Collection method: clinical testing. Allele origin: germline.

Labcorp Genetics (formerly Invitae), Labcorp
Classification: Uncertain significance. Last evaluated: 2022-04-14. Review status: criteria provided, single submitter. Criteria: Invitae Variant Classification Sherloc (09022015). Collection method: clinical testing. Allele origin: germline.
Comment: This sequence change replaces alanine, which is neutral and non-polar, with threonine, which is neutral and polar, at codon 972 of the LAMC3 protein (p.Ala972Thr). This variant is present in population databases (rs781181695, gnomAD 0.01%). This variant has not been reported in the literature in individuals affected with LAMC3-related conditions. Algorithms developed to predict the effect of missense changes on protein structure and function (SIFT, PolyPhen-2, Align-GVGD) all suggest that this variant is likely to be tolerated. In summary, the available evidence is currently insufficient to determine the role of this variant in disease. Therefore, it has been classified as a Variant of Uncertain Significance.